The following is an entry in ClinVar:

ClinVar aggregate classification (germline): Uncertain significance (1 of 4 stars; one submission).

Allele frequency attached by ClinVar (database versions not stated): gnomAD exomes below 0.00001.
gnomAD v4.1: 1 of 1,612,304 alleles (0.000062%); highest among the groups gnomAD compares: African/African-American, 0.0013%; no homozygotes.

Submission:

Labcorp Genetics (formerly Invitae), Labcorp
Classification: Uncertain significance. Last evaluated: 2023-05-21. Review status: criteria provided, single submitter. Criteria: Invitae Variant Classification Sherloc (09022015). Collection method: clinical testing. Allele origin: germline.
Comment: In summary, the available evidence is currently insufficient to determine the role of this variant in disease. Therefore, it has been classified as a Variant of Uncertain Significance. Algorithms developed to predict the effect of sequence changes on RNA splicing suggest that this variant may disrupt the consensus splice site. An algorithm developed to predict the effect of missense changes on protein structure and function (PolyPhen-2) suggests that this variant is likely to be disruptive. This variant has not been reported in the literature in individuals affected with POLE2-related conditions. This variant is present in population databases (no rsID available, gnomAD 0.007%). This sequence change replaces valine, which is neutral and non-polar, with alanine, which is neutral and non-polar, at codon 288 of the POLE2 protein (p.Val288Ala).

NM_002692.4(POLE2):c.863T>C (p.Val288Ala)

Gene: POLE2 (DNA polymerase epsilon 2, accessory subunit; minus strand). Cytogenetic location: 14q21.3.
Variant type: single nucleotide variant.
Coding change: c.863T>C on transcript NM_002692.4 (MANE Select); coding-DNA position 863, T replaced by C.
Protein change: p.Val288Ala; replaces valine 288 with alanine.
Molecular consequence: missense variant.
Genome position (GRCh38, 1-based): chr14:49,655,736, A>G on the plus strand (T>C on the coding strand, the complement: POLE2 is on the minus strand). VCF-style: chr14-49655736-A-G. GRCh37 (hg19) VCF-style: chr14-50122454-A-G.
Other names: c.785T>C, p.Val262Ala (NM_001197330.2); c.863T>C, p.Val288Ala (NM_001197331.3, NM_001348384.2); c.632T>C, p.Val211Ala (NM_001348385.2); short protein forms V211A, V262A, V288A.
Identifiers: ClinVar variation 2866674 (VCV002866674.3), dbSNP rs1423259829, ClinGen allele CA389604201.
Genomic context (GRCh38, chr14:49,655,736, plus strand): 5'-AACATTATGCGAAGTTTTTCCAATACTTCCACCTGGTCCAACCAAACATCAGATAAAAAC[A>G]CAAACATAGCATCTTTATTCTCCTCTTCTAGCTGTTTTAGTTTTGCAGAAGTCTTCACAG-3'
Protein context (NP_002683.2, residues 278-298): LEEENKDAMF[Val288Ala]FLSDVWLDQV